The following is an entry in ClinVar:

NM_001375524.1(TRRAP):c.4080G>C (p.Pro1360=)

Gene: TRRAP (transformation/transcription domain associated protein; plus strand). Cytogenetic location: 7q22.1.
Variant type: single nucleotide variant.
Coding change: c.4080G>C on transcript NM_001375524.1 (MANE Select); coding-DNA position 4080, G replaced by C.
Protein change: p.Pro1360=; no amino-acid change (proline 1360 retained).
Molecular consequence: synonymous variant.
Genome position (GRCh38, 1-based): chr7:98,935,644, G>C. VCF-style: chr7-98935644-G-C. GRCh37 (hg19) VCF-style: chr7-98533267-G-C.
Other names: c.4080G>C, p.Pro1360= (NM_001244580.2, NM_003496.4).
Identifiers: ClinVar variation 708565 (VCV000708565.27), dbSNP rs374276067, ClinGen allele CA4360149.

ClinVar aggregate classification (germline): Likely benign. Review status: criteria provided, multiple submitters, no conflicts (2 of 4 stars). 3 submissions from 3 submitters: Likely benign (3). Last evaluated 2026-02-01.

Allele frequency attached by ClinVar (database versions not stated): TOPMed 0.00007; gnomAD 0.00010; ESP Exome Variant Server 0.00015.
gnomAD v4.1: 186 of 1,603,908 alleles (0.012%); highest among the groups gnomAD compares: Non-Finnish European, 0.015%; no homozygotes.

Submissions (3):

CeGaT Center for Human Genetics Tuebingen
Classification: Likely benign. Last evaluated: 2026-02-01. Review status: criteria provided, single submitter. Criteria: CeGaT Center For Human Genetics Tuebingen Variant Classification Criteria Version 2. Collection method: clinical testing. Allele origin: germline. Affected: yes. Observed: 2 variant alleles.
Comment: TRRAP: BP4, BP7

Blueprint Genetics
Classification: Likely benign. Last evaluated: 2024-08-16. Review status: criteria provided, single submitter. Criteria: ACMG Guidelines, 2015. Collection method: clinical testing. Allele origin: germline.

Labcorp Genetics (formerly Invitae), Labcorp
Classification: Likely benign. Last evaluated: 2024-01-21. Review status: criteria provided, single submitter. Criteria: Invitae Variant Classification Sherloc (09022015). Collection method: clinical testing. Allele origin: germline.